The following is an entry in ClinVar:

ClinVar aggregate classification (germline): Uncertain significance. Review status: criteria provided, multiple submitters, no conflicts (2 of 4 stars). 3 submissions from 3 submitters: Uncertain significance (3). Last evaluated 2025-05-14.

Conditions:
Inborn genetic diseases. Identifiers: MedGen C0950123, MeSH D030342.
Chondrosarcoma. Also called: Chondrosarcoma, somatic. Identifiers: Orphanet 55880, MedGen C0008479, MONDO:0008977, OMIM 215300, HP:0006765.
Multiple congenital exostosis (EXT). Also called: Multiple osteochondromas; MULTIPLE CARTILAGINOUS EXOSTOSES; Hereditary multiple osteochondromas; Hereditary multiple exostoses; Hereditary multiple exostosis; Multiple exostoses. Identifiers: Orphanet 321, MedGen C0015306, MONDO:0005508, HP:0002762.

Allele frequency attached by ClinVar (database versions not stated): TOPMed below 0.00001; gnomAD 0.00001.
gnomAD v4.1: 1 of 1,614,002 alleles (0.000062%); highest among the groups gnomAD compares: Non-Finnish European, 0.000085%; no homozygotes.

Submissions (3):

Ambry Genetics
Classification: Uncertain significance for Inborn genetic diseases. Last evaluated: 2025-05-14. Review status: criteria provided, single submitter. Criteria: Ambry Variant Classification Scheme 2023. Collection method: clinical testing. Allele origin: germline.

Labcorp Genetics (formerly Invitae), Labcorp
Classification: Uncertain significance for Multiple congenital exostosis. Last evaluated: 2023-07-28. Review status: criteria provided, single submitter. Criteria: Invitae Variant Classification Sherloc (09022015). Collection method: clinical testing. Allele origin: germline.
Comment: This sequence change replaces methionine, which is neutral and non-polar, with isoleucine, which is neutral and non-polar, at codon 657 of the EXT1 protein (p.Met657Ile). This variant is not present in population databases (gnomAD no frequency). This variant has not been reported in the literature in individuals affected with EXT1-related conditions. Advanced modeling of protein sequence and biophysical properties (such as structural, functional, and spatial information, amino acid conservation, physicochemical variation, residue mobility, and thermodynamic stability) performed at Invitae indicates that this missense variant is not expected to disrupt EXT1 protein function. In summary, the available evidence is currently insufficient to determine the role of this variant in disease. Therefore, it has been classified as a Variant of Uncertain Significance.

Baylor Genetics
Classification: Uncertain significance for Chondrosarcoma. Last evaluated: 2023-07-21. Review status: criteria provided, single submitter. Criteria: ACMG Guidelines, 2015. Collection method: clinical testing. Allele origin: unknown.

NM_000127.3(EXT1):c.1971G>C (p.Met657Ile)

Gene: EXT1 (exostosin glycosyltransferase 1; minus strand). Cytogenetic location: 8q24.11.
Variant type: single nucleotide variant.
Coding change: c.1971G>C on transcript NM_000127.3 (MANE Select); coding-DNA position 1971, G replaced by C.
Protein change: p.Met657Ile; replaces methionine 657 with isoleucine.
Molecular consequence: missense variant.
Genome position (GRCh38, 1-based): chr8:117,804,806, C>G on the plus strand (G>C on the coding strand, the complement: EXT1 is on the minus strand). VCF-style: chr8-117804806-C-G. GRCh37 (hg19) VCF-style: chr8-118817045-C-G.
Other names: short protein forms M657I.
Identifiers: ClinVar variation 2675168 (VCV002675168.5), dbSNP rs1390390714, ClinGen allele CA371877201.
Genomic context (GRCh38, chr8:117,804,806, plus strand): 5'-CTGCTTCTTCTGGGTCACTTTGATTGGAGGCAATTTTGTCACAGCAGACACCAGGAAGTT[C>G]ATGAGAATGTCCTCACAATTGGCCAATTGGTCCACCATGTTCTTCAGGCTGGCTGGCAGG-3'
Protein context (NP_000118.2, residues 647-667): DQLANCEDIL[Met657Ile]NFLVSAVTKL